The following is an entry in ClinVar:

NM_182894.3(VSX2):c.371-2A>C

Gene: VSX2 (visual system homeobox 2; plus strand). Cytogenetic location: 14q24.3.
Variant type: single nucleotide variant.
Coding change: c.371-2A>C on transcript NM_182894.3 (MANE Select); the canonical splice acceptor site of the intron before coding-DNA position 371, A replaced by C.
Molecular consequence: splice acceptor variant.
Genome position (GRCh38, 1-based): chr14:74,241,180, A>C. VCF-style: chr14-74241180-A-C. GRCh37 (hg19) VCF-style: chr14-74707883-A-C.
Identifiers: ClinVar variation 4817010 (VCV004817010.1).
Genomic context (GRCh38, chr14:74,241,180, plus strand): 5'-GGTTTCGGGCACAGCGGAGCGCGTCCCCCACTCTGCCGCATGTCCCTACGCCCGCTTTTC[A>C]GATTCTGAAGATGTTTCCTCCAGCGATCGAAAAATGTCCAAATCTGCTTTAAACCAGACC-3'

ClinVar aggregate classification (germline): Pathogenic (1 of 4 stars; one submission).

Conditions:
Microphthalmia. Also called: Microphthalmos. Identifiers: MedGen C0026010, MONDO:0021129, HP:0000568.

Submission:

Natera, Inc.
Classification: Pathogenic for Microphthalmia. Last evaluated: 2025-08-11. Review status: criteria provided, single submitter. Criteria: Natera Variant Classification Schema (03/2026). Collection method: clinical testing. Allele origin: germline.
Comment: The c.371-2A>C variant in VSX2 is a canonical splice acceptor site variant predicted to affect pre-mRNA splicing, which may result in an abnormal transcript and altered protein product. This variant is expected to result in nonsense mediated decay, truncation, or a dysfunctional protein product. This variant is rare in the general population with a frequency below the threshold expected for the associated phenotype(s). Another variant at this same site results in an alteration predicted to cause a similar molecular effect has been observed in individual(s) with the associated phenotype. Given the available evidence, this variant is classified as Pathogenic.